The following is an entry in ClinVar:

NM_001371333.1(DIABLO):c.8C>T (p.Ala3Val)

Genes: DIABLO (diablo IAP-binding mitochondrial protein; minus strand), LOC130009040 (ATAC-STARR-seq lymphoblastoid active region 7211; plus strand). Cytogenetic location: 12q24.31.
Variant type: single nucleotide variant.
Coding change: c.8C>T on transcript NM_001371333.1 (MANE Select); coding-DNA position 8, C replaced by T.
Protein change: p.Ala3Val; replaces alanine 3 with valine.
Molecular consequence: missense variant. On other transcripts: 5 prime UTR variant (3).
Genome position (GRCh38, 1-based): chr12:122,226,007, G>A on the plus strand (C>T on the coding strand, the complement: DIABLO is on the minus strand). VCF-style: chr12-122226007-G-A. GRCh37 (hg19) VCF-style: chr12-122710554-G-A.
Other names: c.-123C>T (NM_001278302.1, NM_138930.3); c.-79C>T (NM_001278303.1); c.8C>T, p.Ala3Val (NM_001278342.1, NM_019887.6); c.8C>T (NM_019887.5); short protein forms A3V.
Identifiers: ClinVar variation 2249532 (VCV002249532.3), dbSNP rs202028496, ClinGen allele CA387046865.

ClinVar aggregate classification (germline): Uncertain significance. Review status: criteria provided, multiple submitters, no conflicts (2 of 4 stars). 2 submissions from 2 submitters: Uncertain significance (2). Last evaluated 2025-12-23.

Conditions:
DIABLO-related disorder. Also called: DIABLO-related condition.

Submissions (2):

PreventionGenetics, part of Exact Sciences
Classification: Uncertain significance for DIABLO-related condition. Last evaluated: 2025-12-23. Review status: criteria provided, single submitter. Criteria: ACMG Guidelines, 2015. Collection method: clinical testing. Allele origin: germline.
Comment: The DIABLO c.8C>T variant is predicted to result in the amino acid substitution p.Ala3Val. To our knowledge, this variant has not been reported in the literature or in a large population database (gnomAD), indicating this variant is rare. At this time, the clinical significance of this variant is uncertain due to the absence of conclusive functional and genetic evidence.

Ambry Genetics
Classification: Uncertain significance. Last evaluated: 2021-09-15. Review status: criteria provided, single submitter. Criteria: Ambry Variant Classification Scheme 2023. Collection method: clinical testing. Allele origin: germline.